The following is an entry in ClinVar:

ClinVar aggregate classification (germline): Pathogenic/Likely pathogenic. Review status: criteria provided, multiple submitters, no conflicts (2 of 4 stars). 4 submissions from 4 submitters: Pathogenic (1); Likely pathogenic (3). Last evaluated 2026-02-06.

Conditions:
Autosomal recessive titinopathy. Identifiers: MedGen CN315649, MONDO:0100493.
Cardiovascular phenotype. Identifiers: MedGen CN230736.
Dilated cardiomyopathy 1G (CMD1G). Identifiers: Orphanet 154, MedGen C1858763, MONDO:0011400, OMIM 604145.
Autosomal recessive limb-girdle muscular dystrophy type 2J (LGMDR10). Also called: Limb-girdle muscular dystrophy, type 2J; MUSCULAR DYSTROPHY, LIMB-GIRDLE, AUTOSOMAL RECESSIVE 10. Identifiers: Orphanet 140922, MedGen C1837342, MONDO:0012127, OMIM 608807.

Allele frequency attached by ClinVar (database versions not stated): gnomAD exomes below 0.00001.
gnomAD v4.1: 1 of 1,613,610 alleles (0.000062%); highest among the groups gnomAD compares: Non-Finnish European, 0.000085%; no homozygotes.

Submissions (4):

Myofin, Folkhalsan Research Center
Classification: Pathogenic for Autosomal recessive titinopathy. Last evaluated: 2026-02-06. Review status: criteria provided, single submitter. Criteria: ACMG Guidelines, 2015. Collection method: research. Allele origin: germline. Affected: yes.
Comment: TTN loss-of-function is an established mechanism for autosomal recessive titinopathies. ACMG/AMP criteria applied: PVS1 (predicted loss of function), PM2_Supporting (absent/rare in population databases), and PP4_Supporting (highly consistent clinical phenotype). Overall classification: Pathogenic for recessive titinopathy.

Labcorp Genetics (formerly Invitae), Labcorp
Classification: Likely pathogenic for Dilated cardiomyopathy 1G; Autosomal recessive limb-girdle muscular dystrophy type 2J. Last evaluated: 2025-11-17. Review status: criteria provided, single submitter. Criteria: Invitae Variant Classification Sherloc (09022015). Collection method: clinical testing. Allele origin: germline.
Comment: This sequence change creates a premature translational stop signal (p.Arg30557*) in the TTN gene. While this is not anticipated to result in nonsense mediated decay, it is expected to create a truncated TTN protein. This variant is not present in population databases (gnomAD no frequency). This variant has not been reported in the literature in individuals affected with TTN-related conditions. ClinVar contains an entry for this variant (Variation ID: 534993). This variant is located in the A band of TTN (PMID: 25589632). Truncating variants in this region are significantly overrepresented in patients affected with dilated cardiomyopathy (PMID: 25589632). Truncating variants in this region have also been reported in individuals affected with autosomal recessive centronuclear myopathy (PMID: 23975875). In summary, the currently available evidence indicates that the variant is pathogenic, but additional data are needed to prove that conclusively. Therefore, this variant has been classified as Likely Pathogenic.

Ambry Genetics
Classification: Likely pathogenic for Cardiovascular phenotype. Last evaluated: 2025-09-22. Review status: criteria provided, single submitter. Criteria: Ambry Variant Classification Scheme 2023. Collection method: clinical testing. Allele origin: germline.
Comment: The p.R21492* variant (also known as c.64474C>T), located in coding exon 164 of the TTN gene, results from a C to T substitution at nucleotide position 64474. This exon is located in the A-band region of the N2-B isoform of the titin protein and is constitutively expressed in TTN transcripts (percent spliced in or PSI 100%). This variant is considered to be rare based on population cohorts in the Genome Aggregation Database (gnomAD). This variant is expected to result in loss of function by premature protein truncation or nonsense-mediated mRNA decay. While truncating variants in TTN are present in 1-3% of the general population, truncating variants in the A-band are the most common cause of dilated cardiomyopathy (Herman DS et al. N. Engl. J. Med., 2012 Feb;366:619-28; Roberts AM et al. Sci Transl Med, 2015 Jan;7:270ra6). TTN truncating variants encoded in constitutive exons (PSI >90%) have been found to be significantly associated with DCM regardless of their position in titin (Schafer S et al. Nat. Genet., 2017 01;49:46-53; Akhtar MM et al. Circ Heart Fail, 2020 Oct;13:e006832; Massier M et al. Clin Genet, 2025 Jan). Based on the majority of available evidence to date, this variant is likely to be pathogenic.

GeneDx
Classification: Likely pathogenic. Last evaluated: 2024-10-18. Review status: criteria provided, single submitter. Criteria: GeneDx Variant Classification Process June 2021. Collection method: clinical testing. Allele origin: germline.
Comment: Nonsense variant predicted to result in protein truncation or nonsense mediated decay in a gene for which loss of function is a known mechanism of disease; Located in the A-band region of TTN in which the majority of loss of function variants have been associated with autosomal dominant titinopathies (PMID: 22335739); Reported in an individual with a neuromuscular disorder; further clinical data on this individual was not provided (PMID: 32403337); Not observed at significant frequency in large population cohorts (gnomAD); This variant is associated with the following publications: (PMID: 34135346, 32403337, 22335739)

Literature cited by the submitters: DOI 10.1101/2025.07.17.25331148 (cited by Myofin, Folkhalsan Research Center); PubMed 25589632 (cited by Labcorp Genetics (formerly Invitae), Labcorp); PubMed 23975875 (cited by Labcorp Genetics (formerly Invitae), Labcorp); PubMed 32403337 (cited by Ambry Genetics).

NM_001267550.2(TTN):c.91669C>T (p.Arg30557Ter)

Genes: TTN (titin; minus strand), TTN-AS1 (TTN antisense RNA 1; plus strand). Cytogenetic location: 2q31.2.
Variant type: single nucleotide variant.
Coding change: c.91669C>T on transcript NM_001267550.2 (MANE Select); coding-DNA position 91669, C replaced by T.
Protein change: p.Arg30557Ter; replaces arginine 30557 with a stop codon.
Molecular consequence: nonsense.
Genome position (GRCh38, 1-based): chr2:178,550,169, G>A on the plus strand (C>T on the coding strand, the complement: TTN is on the minus strand). VCF-style: chr2-178550169-G-A. GRCh37 (hg19) VCF-style: chr2-179414896-G-A.
Other names: c.86746C>T, p.Arg28916Ter (NM_001256850.1); c.64474C>T, p.Arg21492Ter (NM_003319.4); c.83965C>T, p.Arg27989Ter (NM_133378.4); c.64849C>T, p.Arg21617Ter (NM_133432.3); c.65050C>T, p.Arg21684Ter (NM_133437.4); c.91669C>T (NM_001267550.1); short protein forms R30557*, R21492*, R21617*, R28916*, R21684*, R27989*.
Identifiers: ClinVar variation 534993 (VCV000534993.17), dbSNP rs1553536305, ClinGen allele CA349499329.